The following is an entry in ClinVar:

ClinVar aggregate classification (germline): Benign/Likely benign. Review status: criteria provided, multiple submitters, no conflicts (2 of 4 stars). 11 submissions from 11 submitters: Benign (9); Likely benign (2). Last evaluated 2026-03-01.

Conditions:
Sotos syndrome (SOTOS). Also called: CHROMOSOME 5q35 DELETION SYNDROME; CEREBRAL GIGANTISM; Sotos' syndrome; Distinctive facial appearance, overgrowth in childhood, and learning disabilities or delayed development; SOTOS SYNDROME 1. Identifiers: Orphanet 821, MedGen C0175695, MONDO:0019349, OMIM 117550.
Inborn genetic diseases. Identifiers: MedGen C0950123, MeSH D030342.

Allele frequency attached by ClinVar (database versions not stated): gnomAD exomes 0.00054; ExAC 0.00061; gnomAD 0.00197 and 0.00206; TOPMed 0.00204; ESP Exome Variant Server 0.00254; 1000 Genomes Project 0.00319; 1000 Genomes Project 30x 0.00359.
gnomAD v4.1: 551 of 1,614,128 alleles (0.034%); highest among the groups gnomAD compares: African/African-American, 0.62%; 1 homozygote.

Submissions (11):

CeGaT Center for Human Genetics Tuebingen
Classification: Likely benign. Last evaluated: 2026-03-01. Review status: criteria provided, single submitter. Criteria: CeGaT Center For Human Genetics Tuebingen Variant Classification Criteria Version 2. Collection method: clinical testing. Allele origin: germline. Affected: yes. Observed: 2 variant alleles.
Comment: NSD1: BP4, BS1

Labcorp Genetics (formerly Invitae), Labcorp
Classification: Benign. Last evaluated: 2025-01-20. Review status: criteria provided, single submitter. Criteria: Invitae Variant Classification Sherloc (09022015). Collection method: clinical testing. Allele origin: germline.

Blueprint Genetics
Classification: Likely benign. Last evaluated: 2024-09-02. Review status: criteria provided, single submitter. Criteria: ACMG Guidelines, 2015. Collection method: clinical testing. Allele origin: germline.

Fulgent Genetics
Classification: Benign for Sotos syndrome. Last evaluated: 2022-05-17. Review status: criteria provided, single submitter. Criteria: ACMG Guidelines, 2015. Collection method: clinical testing. Allele origin: unknown.

Genome-Nilou Lab
Classification: Benign for Sotos syndrome. Last evaluated: 2021-07-15. Review status: criteria provided, single submitter. Criteria: ACMG Guidelines, 2015. Collection method: clinical testing. Allele origin: germline. Affected: no.

Ambry Genetics
Classification: Benign for Inborn genetic diseases. Last evaluated: 2017-05-31. Review status: criteria provided, single submitter. Criteria: Ambry Variant Classification Scheme 2023. Collection method: clinical testing. Allele origin: germline.

GeneDx
Classification: Benign. Last evaluated: 2017-02-20. Review status: criteria provided, single submitter. Criteria: GeneDx Variant Classification (06012015). Collection method: clinical testing. Allele origin: germline. Affected: yes.
Comment: This variant is considered likely benign or benign based on one or more of the following criteria: it is a conservative change, it occurs at a poorly conserved position in the protein, it is predicted to be benign by multiple in silico algorithms, and/or has population frequency not consistent with disease.

Center for Human Genetics, Inc
Classification: Benign. Last evaluated: 2016-11-01. Review status: criteria provided, single submitter. Criteria: ACMG Guidelines, 2015. Collection method: clinical testing. Allele origin: germline. Affected: yes.

Eurofins Ntd Llc (ga)
Classification: Benign. Last evaluated: 2014-05-28. Review status: criteria provided, single submitter. Criteria: EGL Classification Definitions 2015. Collection method: clinical testing. Allele origin: germline. Observed: 1 variant allele, 1 heterozygote.

Genetic Services Laboratory, University of Chicago
Classification: Benign. Last evaluated: 2013-02-08. Review status: criteria provided, single submitter. Criteria: ACMG Guidelines, 2007. Collection method: clinical testing. Allele origin: germline. Inheritance: Autosomal dominant inheritance.

PreventionGenetics, part of Exact Sciences
Classification: Benign. Review status: criteria provided, single submitter. Criteria: ACMG Guidelines, 2015. Collection method: clinical testing. Allele origin: germline.

NM_022455.5(NSD1):c.4520C>T (p.Thr1507Met)

Gene: NSD1 (nuclear receptor binding SET domain protein 1; plus strand). Cytogenetic location: 5q35.3.
Variant type: single nucleotide variant.
Coding change: c.4520C>T on transcript NM_022455.5 (MANE Select); coding-DNA position 4520, C replaced by T.
Protein change: p.Thr1507Met; replaces threonine 1507 with methionine.
Molecular consequence: missense variant.
Genome position (GRCh38, 1-based): chr5:177,248,203, C>T. VCF-style: chr5-177248203-C-T. GRCh37 (hg19) VCF-style: chr5-176675204-C-T.
Other names: c.3647C>T, p.Thr1216Met (NM_001365684.2, NM_001409306.1, NM_001409307.1 and 3 more transcripts); c.4520C>T, p.Thr1507Met (NM_001409301.1, NM_001409302.1, NM_001409303.1); c.4100C>T, p.Thr1367Met (NM_001409304.1); c.3767C>T, p.Thr1256Met (NM_001409305.1); short protein forms T1507M, T1238M, T1367M, T1216M, T1256M.
Identifiers: ClinVar variation 159335 (VCV000159335.48), dbSNP rs144900277, ClinGen allele CA172825.